The following is an entry in ClinVar:

ClinVar aggregate classification (germline): Benign/Likely benign. Review status: criteria provided, multiple submitters, no conflicts (2 of 4 stars). 3 submissions from 3 submitters: Benign (2); Likely benign (1). Last evaluated 2025-11-21.

Allele frequency attached by ClinVar (database versions not stated): gnomAD exomes 0.00014 and 0.00023; ExAC 0.00028; 1000 Genomes Project 30x 0.00109; gnomAD 0.00110 and 0.00118; TOPMed 0.00131; 1000 Genomes Project 0.00140; ESP Exome Variant Server 0.00146.
gnomAD v4.1: 386 of 1,611,560 alleles (0.024%); highest among the groups gnomAD compares: African/African-American, 0.45%; 3 homozygotes.

Submissions (3):

Labcorp Genetics (formerly Invitae), Labcorp
Classification: Benign. Last evaluated: 2025-11-21. Review status: criteria provided, single submitter. Criteria: Invitae Variant Classification Sherloc (09022015). Collection method: clinical testing. Allele origin: germline.

CeGaT Center for Human Genetics Tuebingen
Classification: Likely benign. Last evaluated: 2023-11-01. Review status: criteria provided, single submitter. Criteria: CeGaT Center For Human Genetics Tuebingen Variant Classification Criteria Version 2. Collection method: clinical testing. Allele origin: germline. Affected: yes. Observed: 1 variant allele.
Comment: GRM1: BP4, BP7

Athena Diagnostics
Classification: Benign. Last evaluated: 2019-08-05. Review status: criteria provided, single submitter. Criteria: Athena Diagnostics Criteria. Collection method: clinical testing. Allele origin: germline.

NM_001278064.2(GRM1):c.2991A>G (p.Ala997=)

Gene: GRM1 (glutamate metabotropic receptor 1; plus strand). Cytogenetic location: 6q24.3.
Variant type: single nucleotide variant.
Coding change: c.2991A>G on transcript NM_001278064.2 (MANE Select); coding-DNA position 2991, A replaced by G.
Protein change: p.Ala997=; no amino-acid change (alanine 997 retained).
Molecular consequence: synonymous variant. On other transcripts: 3 prime UTR variant (3).
Genome position (GRCh38, 1-based): chr6:146,434,202, A>G. VCF-style: chr6-146434202-A-G. GRCh37 (hg19) VCF-style: chr6-146755338-A-G.
Other names: c.*355A>G (NM_001278065.2); c.*320A>G (NM_001278066.1); c.*229A>G (NM_001278067.1).
Identifiers: ClinVar variation 785197 (VCV000785197.31), dbSNP rs140244084, ClinGen allele CA4037591.